The following is an entry in ClinVar:

ClinVar aggregate classification (germline): Uncertain significance (1 of 4 stars; one submission).

Conditions:
Mitochondrial complex II deficiency, nuclear type 1. Also called: SUCCINATE CoQ REDUCTASE DEFICIENCY. Identifiers: Orphanet 3208, MedGen C5700310, MONDO:0100294, OMIM 252011.
Pheochromocytoma/paraganglioma syndrome 5. Also called: Paragangliomas 5; SDHA-Related Hereditary Paraganglioma-Pheochromocytoma Syndrome. Identifiers: Orphanet 29072, MedGen C3279992, MONDO:0013602, OMIM 614165.

Submission:

Labcorp Genetics (formerly Invitae), Labcorp
Classification: Uncertain significance for Pheochromocytoma/paraganglioma syndrome 5; Mitochondrial complex II deficiency, nuclear type 1. Last evaluated: 2021-04-16. Review status: criteria provided, single submitter. Criteria: Invitae Variant Classification Sherloc (09022015). Collection method: clinical testing. Allele origin: germline.
Comment: In summary, the available evidence is currently insufficient to determine the role of this variant in disease. Therefore, it has been classified as a Variant of Uncertain Significance. Advanced modeling of protein sequence and biophysical properties (such as structural, functional, and spatial information, amino acid conservation, physicochemical variation, residue mobility, and thermodynamic stability) performed at Invitae indicates that this missense variant is expected to disrupt SDHA protein function. This variant has not been reported in the literature in individuals with SDHA-related conditions. This variant is not present in population databases (ExAC no frequency). This sequence change replaces phenylalanine with cysteine at codon 292 of the SDHA protein (p.Phe292Cys). The phenylalanine residue is highly conserved and there is a large physicochemical difference between phenylalanine and cysteine.

NM_004168.4(SDHA):c.875T>G (p.Phe292Cys)

Gene: SDHA (succinate dehydrogenase complex flavoprotein subunit A; plus strand). Cytogenetic location: 5p15.33.
Variant type: single nucleotide variant.
Coding change: c.875T>G on transcript NM_004168.4 (MANE Select); coding-DNA position 875, T replaced by G.
Protein change: p.Phe292Cys; replaces phenylalanine 292 with cysteine.
Molecular consequence: missense variant.
Genome position (GRCh38, 1-based): chr5:230,980, T>G. VCF-style: chr5-230980-T-G. GRCh37 (hg19) VCF-style: chr5-231095-T-G.
Other names: c.731T>G, p.Phe244Cys (NM_001294332.2); c.875T>G, p.Phe292Cys (NM_001330758.2); short protein forms F292C, F244C.
Identifiers: ClinVar variation 1346080 (VCV001346080.8), dbSNP rs2126568674, ClinGen allele CA359012002.